The following is an entry in ClinVar:

NM_013450.4(BAZ2B):c.4064G>A (p.Ser1355Asn)

Gene: BAZ2B (bromodomain adjacent to zinc finger domain 2B; minus strand). Cytogenetic location: 2q24.2.
Variant type: single nucleotide variant.
Coding change: c.4064G>A on transcript NM_013450.4 (MANE Select); coding-DNA position 4064, G replaced by A.
Protein change: p.Ser1355Asn; replaces serine 1355 with asparagine.
Molecular consequence: missense variant.
Genome position (GRCh38, 1-based): chr2:159,374,695, C>T on the plus strand (G>A on the coding strand, the complement: BAZ2B is on the minus strand). VCF-style: chr2-159374695-C-T. GRCh37 (hg19) VCF-style: chr2-160231206-C-T.
Other names: c.3956G>A, p.Ser1319Asn (NM_001289975.1); c.3902G>A, p.Ser1301Asn (NM_001329857.2); c.3989G>A, p.Ser1330Asn (NM_001329858.2); short protein forms S1301N, S1319N, S1330N, S1355N.
Identifiers: ClinVar variation 1331639 (VCV001331639.4), dbSNP rs2149427953, ClinGen allele CA348932492.

ClinVar aggregate classification (germline): Uncertain significance (1 of 4 stars; one submission).

gnomAD v4.1: 2 of 1,611,606 alleles (0.00012%); highest among the groups gnomAD compares: Non-Finnish European, 0.00017%; no homozygotes.

Submission:

Greenwood Genetic Center Diagnostic Laboratories, Greenwood Genetic Center
Classification: Uncertain significance. Last evaluated: 2021-01-11. Review status: criteria provided, single submitter. Criteria: ACMG Guidelines, 2015. Collection method: clinical testing. Allele origin: germline. Affected: yes.
Comment: BP4, PM2